The following is an entry in ClinVar:

NM_000169.3(GLA):c.1259C>A (p.Thr420Lys)

Genes: GLA (galactosidase alpha; minus strand), RPL36A-HNRNPH2 (RPL36A-HNRNPH2 readthrough; plus strand). Cytogenetic location: Xq22.1.
Variant type: single nucleotide variant.
Coding change: c.1259C>A on transcript NM_000169.3 (MANE Select); coding-DNA position 1259, C replaced by A.
Protein change: p.Thr420Lys; replaces threonine 420 with lysine.
Molecular consequence: missense variant. On other transcripts: non-coding transcript variant (3), intron variant (2).
Genome position (GRCh38, 1-based): chrX:101,397,840, G>T on the plus strand (C>A on the coding strand, the complement: GLA is on the minus strand). VCF-style: chrX-101397840-G-T. GRCh37 (hg19) VCF-style: chrX-100652828-G-T.
Other names: c.1382C>A, p.Thr461Lys (NM_001406747.1); c.300+2383G>T (NM_001199973.2); c.177+6018G>T (NM_001199974.2); short protein forms T420K, T461K.
Identifiers: ClinVar variation 1018954 (VCV001018954.11), dbSNP rs1928114444, ClinGen allele CA413918858.

ClinVar aggregate classification (germline): Uncertain significance. Review status: criteria provided, multiple submitters, no conflicts (2 of 4 stars). 2 submissions from 2 submitters: Uncertain significance (2). Last evaluated 2026-09-08.

Conditions:
Fabry disease. Also called: Angiokeratoma corporis diffusum; CERAMIDE TRIHEXOSIDASE DEFICIENCY; GLA DEFICIENCY; HEREDITARY DYSTOPIC LIPIDOSIS; Fabry's disease; ALPHA-GALACTOSIDASE A DEFICIENCY. Identifiers: Orphanet 324, MedGen C0002986, MONDO:0010526, OMIM 301500, HP:0001071. Disease mechanism: loss of function, Fabry disease is due to inactivating mutations in the X-linked GLA gene resulting in deficiency of the enzyme Alpha Galactosidase-A..

Submissions (2):

Genomenon, Inc
Classification: Uncertain significance for Fabry disease. Last evaluated: 2026-09-08. Review status: criteria provided, single submitter. Criteria: Genomenon Sequence Variant Interpretation Standards - Updated. Collection method: curation. Allele origin: germline. Affected: no.
Comment: GLA p.Thr420Lys (c.1259C>A) is a missense variant that changes the amino acid at codon 420 from Threonine to Lysine. This variant has been reported in the published literature (PMID:38338714). It is absent or not present at a significant frequency in gnomAD. In silico models predict that this variant is not damaging. In conclusion, we classify GLA p.Thr420Lys (c.1259C>A) as a variant of uncertain significance.

Labcorp Genetics (formerly Invitae), Labcorp
Classification: Uncertain significance for Fabry disease. Last evaluated: 2022-03-14. Review status: criteria provided, single submitter. Criteria: Invitae Variant Classification Sherloc (09022015). Collection method: clinical testing. Allele origin: germline.
Comment: Algorithms developed to predict the effect of missense changes on protein structure and function (SIFT, PolyPhen-2, Align-GVGD) all suggest that this variant is likely to be tolerated. In summary, the available evidence is currently insufficient to determine the role of this variant in disease. Therefore, it has been classified as a Variant of Uncertain Significance. ClinVar contains an entry for this variant (Variation ID: 1018954). This variant has not been reported in the literature in individuals affected with GLA-related conditions. This variant is not present in population databases (gnomAD no frequency). This sequence change replaces threonine, which is neutral and polar, with lysine, which is basic and polar, at codon 420 of the GLA protein (p.Thr420Lys).

Literature cited by the submitters: PubMed 38338714 (cited by Genomenon, Inc).